The following is an entry in ClinVar:

ClinVar aggregate classification (germline): Pathogenic (1 of 4 stars; one submission).

Conditions:
Malignant hyperthermia, susceptibility to, 1 (MHS1). Also called: Anesthesia related hyperthermia; Malignant hyperpyrexia; Fulminating hyperpyrexia; Pharmacogenic myopathy; Malignant hyperthermia suceptibility 1; RYR1-Related Malignant Hyperthermia Susceptibility. Identifiers: Orphanet 423, MedGen C2930980, MONDO:0007783, OMIM 145600.

Submission:

Laboratory of Medical Genetics, National & Kapodistrian University of Athens
Classification: Pathogenic for Malignant hyperthermia, susceptibility to, 1. Last evaluated: 2018-11-20. Review status: criteria provided, single submitter. Criteria: ACMG Guidelines, 2015. Collection method: clinical testing. Allele origin: de novo. Affected: yes.
Comment: PVS1, PS2, PM2

NM_000540.3(RYR1):c.5995del (p.Arg1999fs)

Gene: RYR1 (ryanodine receptor 1; plus strand). Cytogenetic location: 19q13.2.
Variant type: Deletion.
Coding change: c.5995del on transcript NM_000540.3 (MANE Select); coding-DNA position 5995, one base deleted (C; older notation c.5995delC).
Protein change: p.Arg1999fs; shifts the reading frame from arginine 1999.
Molecular consequence: frameshift variant.
Genome position (GRCh38, 1-based): chr19:38,490,256, C deleted; the last of 2 consecutive C bases (chr19:38,490,255-38,490,256); deleting either gives the same sequence. VCF-style (leftmost placement, unchanged base first): chr19-38490254-TC-T. GRCh37 (hg19) VCF-style: chr19-38980894-TC-T.
Other names: c.5995del, p.Arg1999fs (NM_001042723.2); c.5995delC (NM_000540.2); short protein forms R1999fs.
Identifiers: ClinVar variation 637046 (VCV000637046.1), dbSNP rs1600787461, ClinGen allele CA915952991.
Genomic context (GRCh38, chr19:38,490,254, plus strand): 5'-GCCTCCTCATAAAAGCCTTCAGCATGACCGCAGCAGAGACTGCAAGACGTACCCGCGAGT[TC>T]CGCTCCCCACCCCAGGAACAGGTCATCTGACCCCTGACGCTGGCCACTTTTACTGTCTAA-3'